The following is an entry in ClinVar:

ClinVar aggregate classification (germline): Likely pathogenic (1 of 4 stars; one submission).

Allele frequency attached by ClinVar (database versions not stated): gnomAD exomes below 0.00001.

Submission:

Laboratorio de Genetica e Diagnostico Molecular, Hospital Israelita Albert Einstein
Classification: Likely pathogenic. Last evaluated: 2020-06-02. Review status: criteria provided, single submitter. Criteria: ACMG Guidelines, 2015. Collection method: clinical testing. Allele origin: germline. Affected: yes.
Comment: ACMG classification criteria: PVS1, PM2

NM_007374.3(SIX6):c.380del (p.Asp127fs)

Genes: C14orf39 (chromosome 14 open reading frame 39; minus strand), SIX6 (SIX homeobox 6; plus strand). Cytogenetic location: 14q23.1.
Variant type: Deletion.
Coding change: c.380del on transcript NM_007374.3 (MANE Select); coding-DNA position 380, one base deleted (A; older notation c.380delA).
Protein change: p.Asp127fs; shifts the reading frame from aspartic acid 127.
Molecular consequence: frameshift variant.
Genome position (GRCh38, 1-based): chr14:60,509,778, A deleted. VCF-style (leftmost placement, unchanged base first): chr14-60509777-GA-G. GRCh37 (hg19) VCF-style: chr14-60976495-GA-G.
Other names: c.380delA (NM_007374.3); short protein forms D127fs.
Identifiers: ClinVar variation 1690892 (VCV001690892.2), dbSNP rs1310548000, ClinGen allele CA614737899.